The following is an entry in ClinVar:

ClinVar aggregate classification (germline): Likely benign (1 of 4 stars; one submission).

gnomAD v4.1: 292 of 1,552,058 alleles (0.019%); highest among the groups gnomAD compares: East Asian, 0.27%; 2 homozygotes.

Submission:

CeGaT Center for Human Genetics Tuebingen
Classification: Likely benign. Last evaluated: 2025-01-01. Review status: criteria provided, single submitter. Criteria: CeGaT Center For Human Genetics Tuebingen Variant Classification Criteria Version 2. Collection method: clinical testing. Allele origin: germline. Affected: yes. Observed: 2 variant alleles.
Comment: TERB1: BP4, BP7

NM_001136505.2(TERB1):c.1482G>A (p.Pro494=)

Gene: TERB1 (telomere repeat binding bouquet formation protein 1; minus strand). Cytogenetic location: 16q22.1.
Variant type: single nucleotide variant.
Coding change: c.1482G>A on transcript NM_001136505.2 (MANE Select); coding-DNA position 1482, G replaced by A.
Protein change: p.Pro494=; no amino-acid change (proline 494 retained).
Molecular consequence: synonymous variant.
Genome position (GRCh38, 1-based): chr16:66,770,100, C>T on the plus strand (G>A on the coding strand, the complement: TERB1 is on the minus strand). VCF-style: chr16-66770100-C-T. GRCh37 (hg19) VCF-style: chr16-66804003-C-T.
Identifiers: ClinVar variation 3388112 (VCV003388112.14).